The following is an entry in ClinVar:

ClinVar aggregate classification (germline): Uncertain significance (1 of 4 stars; one submission).

Conditions:
Marinesco-Sjögren syndrome (MSS). Also called: Marinesco-SjÃ¶gren syndrome; Marinesco-Sjogren Syndrome. Identifiers: Orphanet 559, MedGen C0024814, MONDO:0009567, OMIM 248800.

Allele frequency attached by ClinVar (database versions not stated): gnomAD exomes below 0.00001; TOPMed below 0.00001; gnomAD 0.00001.
gnomAD v4.1: 9 of 1,613,564 alleles (0.00056%); highest among the groups gnomAD compares: Admixed American, 0.0033%; no homozygotes.

Submission:

Labcorp Genetics (formerly Invitae), Labcorp
Classification: Uncertain significance for Marinesco-Sjögren syndrome. Last evaluated: 2022-08-03. Review status: criteria provided, single submitter. Criteria: Invitae Variant Classification Sherloc (09022015). Collection method: clinical testing. Allele origin: germline.
Comment: In summary, the available evidence is currently insufficient to determine the role of this variant in disease. Therefore, it has been classified as a Variant of Uncertain Significance. Algorithms developed to predict the effect of missense changes on protein structure and function are either unavailable or do not agree on the potential impact of this missense change (SIFT: "Tolerated"; PolyPhen-2: "Possibly Damaging"; Align-GVGD: "Class C0"). This variant has not been reported in the literature in individuals affected with SIL1-related conditions. This variant is present in population databases (rs369750441, gnomAD 0.0008%). This sequence change replaces threonine, which is neutral and polar, with methionine, which is neutral and non-polar, at codon 382 of the SIL1 protein (p.Thr382Met).

NM_022464.5(SIL1):c.1145C>T (p.Thr382Met)

Gene: SIL1 (SIL1 nucleotide exchange factor; minus strand). Cytogenetic location: 5q31.2.
Variant type: single nucleotide variant.
Coding change: c.1145C>T on transcript NM_022464.5 (MANE Select); coding-DNA position 1145, C replaced by T.
Protein change: p.Thr382Met; replaces threonine 382 with methionine.
Molecular consequence: missense variant.
Genome position (GRCh38, 1-based): chr5:138,947,358, G>A on the plus strand (C>T on the coding strand, the complement: SIL1 is on the minus strand). VCF-style: chr5-138947358-G-A. GRCh37 (hg19) VCF-style: chr5-138283047-G-A.
Other names: c.1145C>T, p.Thr382Met (NM_001037633.2); short protein forms T382M.
Identifiers: ClinVar variation 2185554 (VCV002185554.3), dbSNP rs369750441, ClinGen allele CA128236507.
Genomic context (GRCh38, chr5:138,947,358, plus strand): 5'-CCCAGTGTCTGCAGCACCTTCTCACGGGCATCATGCTCGGGCAGCGCCAGGAGGTGGGCC[G>A]TGATCTCGCACCAGCCCTGTTCCCACAGGCCTGGCAGGAGGTGTACCTGGCGATACTGCT-3'
Protein context (NP_071909.1, residues 372-392): GLWEQGWCEI[Thr382Met]AHLLALPEHD